The following is an entry in ClinVar:

ClinVar aggregate classification (germline): Uncertain significance (1 of 4 stars; one submission).

gnomAD v4.1: 63 of 1,611,272 alleles (0.0039%); highest among the groups gnomAD compares: South Asian, 0.052%; 1 homozygote.

Submission:

GeneDx
Classification: Uncertain significance. Last evaluated: 2025-07-09. Review status: criteria provided, single submitter. Criteria: GeneDx Variant Classification Process June 2021. Collection method: clinical testing. Allele origin: germline. Affected: yes.
Comment: In silico analysis suggests that this missense variant does not alter protein structure/function; Has not been previously published as pathogenic or benign to our knowledge

NM_006828.4(ASCC3):c.2806A>C (p.Ser936Arg)

Gene: ASCC3 (activating signal cointegrator 1 complex subunit 3; minus strand). Cytogenetic location: 6q16.3.
Variant type: single nucleotide variant.
Coding change: c.2806A>C on transcript NM_006828.4 (MANE Select); coding-DNA position 2806, A replaced by C.
Protein change: p.Ser936Arg; replaces serine 936 with arginine.
Molecular consequence: missense variant.
Genome position (GRCh38, 1-based): chr6:100,655,716, T>G on the plus strand (A>C on the coding strand, the complement: ASCC3 is on the minus strand). VCF-style: chr6-100655716-T-G. GRCh37 (hg19) VCF-style: chr6-101103592-T-G.
Other names: short protein forms S936R.
Identifiers: ClinVar variation 4685436 (VCV004685436.1).
Genomic context (GRCh38, chr6:100,655,716, plus strand): 5'-AAAAGAAGGTCTGAATTTTTTTTTTAATAAATGAGTTTTCTACCTGATAAGCCTTGTGAC[T>G]GATGCCATATGCTAATGGATTTGCTCTCATCCGTACATAAAGATAAGTGTAACTTATCCA-3'
Protein context (NP_006819.2, residues 926-946): MRANPLAYGI[Ser936Arg]HKAYQIDPTL